The following is an entry in ClinVar:

NM_017849.4(TMEM127):c.410-2A>C

Gene: TMEM127 (transmembrane protein 127; minus strand). Cytogenetic location: 2q11.2.
Variant type: single nucleotide variant.
Coding change: c.410-2A>C on transcript NM_017849.4 (MANE Select); the canonical splice acceptor site of the intron before coding-DNA position 410, A replaced by C.
Molecular consequence: splice acceptor variant.
Genome position (GRCh38, 1-based): chr2:96,254,117, T>G on the plus strand (A>C on the coding strand, the complement: TMEM127 is on the minus strand). VCF-style: chr2-96254117-T-G. GRCh37 (hg19) VCF-style: chr2-96919855-T-G.
Other names: IVS3-2A>C(p.L138fs); IVS3AS, A-C, -2; c.158-2A>C (NM_001407283.1, NM_001407282.1); c.410-2A>C (NM_001193304.3).
Identifiers: ClinVar variation 107 (VCV000000107.13), dbSNP rs121908826, ClinGen allele CA113854.
Genomic context (GRCh38, chr2:96,254,117, plus strand): 5'-GGCCAAGATGAGTTCAGAAGCCCAATAAGAAAAGCCAATGACGGTGGCACACTGCAGAAC[T>G]AGGAGACAGAGGGACAGCACAGAAGGGGAATTAGTGAGCACTCCACAGCTAGGATGCTTG-3'

ClinVar aggregate classification (germline): Pathogenic. Review status: criteria provided, multiple submitters, no conflicts (2 of 4 stars). 6 submissions from 6 submitters: Pathogenic (4). 2 of the submissions do not count toward it. Last evaluated 2025-04-30.

Conditions:
PHEOCHROMOCYTOMA/PARAGANGLIOMA SYNDROME 8 (PPGL8). Identifiers: MedGen CN382246, OMIM 621687.
Hereditary pheochromocytoma and paraganglioma. Also called: Hereditary paragangliomas and pheochromocytomas; Hereditary pheochromocytoma-paraganglioma; Hereditary Paraganglioma-Pheochromocytoma Syndromes. Identifiers: Orphanet 29072, MedGen C4274332, MONDO:0017366.
Pheochromocytoma. Also called: MAX-Related Hereditary Paraganglioma-Pheochromocytoma Syndrome. Identifiers: Orphanet 29072, MedGen C0031511, MONDO:0008233, OMIM 171300, HP:0002666.

Submissions (6):

Dasa
Classification: Pathogenic. Last evaluated: 2025-04-30. Review status: criteria provided, single submitter. Criteria: DASA Assertion Criteria. Collection method: clinical testing. Allele origin: germline.
Comment: NM_017849.4(TMEM127):c.410-2A>C introduces a premature termination codon predicted to result in loss of normal protein function. Loss-of-function is an established mechanism of disease for this gene. Segregation evidence has been reported in affected families. This variant has been recurrently observed in individuals with related phenotype (PMID: 20154675; PMID: 25389632). Multiple computational predictions support a deleterious effect on the gene or gene product. The variant is present at low frequency in population datasets. Based on the available data, this variant is classified as pathogenic.

Labcorp Genetics (formerly Invitae), Labcorp
Classification: Pathogenic for Hereditary pheochromocytoma and paraganglioma. Last evaluated: 2023-11-24. Review status: criteria provided, single submitter. Criteria: Invitae Variant Classification Sherloc (09022015). Collection method: clinical testing. Allele origin: germline.
Comment: This sequence change affects an acceptor splice site in intron 3 of the TMEM127 gene. RNA analysis indicates that disruption of this splice site induces altered splicing and likely disrupts the C-terminus of the protein. This variant is not present in population databases (gnomAD no frequency). Disruption of this splice site has been observed in individuals with pheochromocytoma (PMID: 20154675, 25389632). It has also been observed to segregate with disease in related individuals. ClinVar contains an entry for this variant (Variation ID: 107). Variants that disrupt the consensus splice site are a relatively common cause of aberrant splicing (PMID: 17576681, 9536098). Studies have shown that disruption of this splice site results in activation of a cryptic splice site and introduces a new termination codon (Invitae). However the mRNA is not expected to undergo nonsense-mediated decay. For these reasons, this variant has been classified as Pathogenic.

Laboratorio de Genetica e Diagnostico Molecular, Hospital Israelita Albert Einstein
Classification: Pathogenic for Pheochromocytoma. Last evaluated: 2023-02-10. Review status: criteria provided, single submitter. Criteria: ACMG Guidelines, 2015. Collection method: clinical testing. Allele origin: germline. Affected: yes.
Comment: ACMG classification criteria: PVS1 strong, PS4 strong, PM2 moderated

Mendelics
Classification: Pathogenic for Pheochromocytoma. Last evaluated: 2019-05-28. Review status: criteria provided, single submitter. Criteria: Mendelics Assertion Criteria 2017. Collection method: clinical testing. Allele origin: unknown.

OMIM
Classification: Pathogenic for PHEOCHROMOCYTOMA/PARAGANGLIOMA SYNDROME 8. Last evaluated: 2010-03-01. Review status: no assertion criteria provided. Collection method: literature only. Allele origin: germline. Not counted in ClinVar's aggregate classification.

Familial Cancer Clinic, Veneto Institute of Oncology
Classification: Likely pathogenic for Pheochromocytoma. Review status: no assertion criteria provided. Collection method: not provided. Allele origin: germline. Not counted in ClinVar's aggregate classification.
ClinVar note: Converted during submission from likely pathogenic - adrenal pheochromocytoma to Likely pathogenic.

Literature cited by the submitters: PubMed 20154675 (cited by 3 submitters); PubMed 25389632 (cited by 3 submitters); PubMed 17576681 (cited by Labcorp Genetics (formerly Invitae), Labcorp); PubMed 9536098 (cited by Labcorp Genetics (formerly Invitae), Labcorp); PubMed 16266984 (cited by OMIM).